The following is an entry in ClinVar:

ClinVar aggregate classification (germline): Uncertain significance. Review status: criteria provided, multiple submitters, no conflicts (2 of 4 stars). 2 submissions from 2 submitters: Uncertain significance (2). Last evaluated 2025-08-25.

Conditions:
Inborn genetic diseases. Identifiers: MedGen C0950123, MeSH D030342.

Allele frequency attached by ClinVar (database versions not stated): gnomAD 0.00001; TOPMed 0.00001.
gnomAD v4.1: 9 of 1,551,610 alleles (0.00058%); highest among the groups gnomAD compares: Middle Eastern, 0.017%; no homozygotes.

Submissions (2):

Ambry Genetics
Classification: Uncertain significance for Inborn genetic diseases. Last evaluated: 2025-08-25. Review status: criteria provided, single submitter. Criteria: Ambry Variant Classification Scheme 2023. Collection method: clinical testing. Allele origin: germline.

Labcorp Genetics (formerly Invitae), Labcorp
Classification: Uncertain significance. Last evaluated: 2022-02-06. Review status: criteria provided, single submitter. Criteria: Invitae Variant Classification Sherloc (09022015). Collection method: clinical testing. Allele origin: germline.
Comment: This sequence change replaces tyrosine, which is neutral and polar, with serine, which is neutral and polar, at codon 1656 of the UNC80 protein (p.Tyr1656Ser). This variant is present in population databases (no rsID available, gnomAD 0.006%). This variant has not been reported in the literature in individuals affected with UNC80-related conditions. Algorithms developed to predict the effect of missense changes on protein structure and function are either unavailable or do not agree on the potential impact of this missense change (SIFT: "Not Available"; PolyPhen-2: "Probably Damaging"; Align-GVGD: "Not Available"). In summary, the available evidence is currently insufficient to determine the role of this variant in disease. Therefore, it has been classified as a Variant of Uncertain Significance.

NM_001371986.1(UNC80):c.5165A>C (p.Tyr1722Ser)

Genes: UNC80 (unc-80 subunit of NALCN channel complex; plus strand), LOC126806490 (P300/CBP strongly-dependent group 1 enhancer GRCh37_chr2:210782411-210783610; plus strand). Cytogenetic location: 2q34.
Variant type: single nucleotide variant.
Coding change: c.5165A>C on transcript NM_001371986.1 (MANE Select); coding-DNA position 5165, A replaced by C.
Protein change: p.Tyr1722Ser; replaces tyrosine 1722 with serine.
Molecular consequence: missense variant.
Genome position (GRCh38, 1-based): chr2:209,917,912, A>C. VCF-style: chr2-209917912-A-C. GRCh37 (hg19) VCF-style: chr2-210782636-A-C.
Other names: c.4967A>C (NM_032504.1); c.4967A>C, p.Tyr1656Ser (NM_032504.2); c.4952A>C, p.Tyr1651Ser (NM_182587.4); short protein forms Y1722S, Y1656S, Y1651S.
Identifiers: ClinVar variation 2186334 (VCV002186334.2), dbSNP rs1270311643, ClinGen allele CA350759321.